The following is an entry in ClinVar:

ClinVar aggregate classification (germline): Uncertain significance (1 of 4 stars; one submission).

Conditions:
Inborn genetic diseases. Identifiers: MedGen C0950123, MeSH D030342.

Submission:

Ambry Genetics
Classification: Uncertain significance for Inborn genetic diseases. Last evaluated: 2024-10-05. Review status: criteria provided, single submitter. Criteria: Ambry Variant Classification Scheme 2023. Collection method: clinical testing. Allele origin: germline.
Comment: The p.L403R variant (also known as c.1208T>G), located in coding exon 7 of the FANCM gene, results from a T to G substitution at nucleotide position 1208. The leucine at codon 403 is replaced by arginine, an amino acid with dissimilar properties. This amino acid position is conserved. In addition, the in silico prediction for this alteration is inconclusive. Based on the available evidence, the clinical significance of this variant remains unclear.

NM_020937.4(FANCM):c.1208T>G (p.Leu403Arg)

Gene: FANCM (FA complementation group M; plus strand). Cytogenetic location: 14q21.2.
Variant type: single nucleotide variant.
Coding change: c.1208T>G on transcript NM_020937.4 (MANE Select); coding-DNA position 1208, T replaced by G.
Protein change: p.Leu403Arg; replaces leucine 403 with arginine.
Molecular consequence: missense variant.
Genome position (GRCh38, 1-based): chr14:45,154,721, T>G. VCF-style: chr14-45154721-T-G. GRCh37 (hg19) VCF-style: chr14-45623924-T-G.
Other names: c.1130T>G, p.Leu377Arg (NM_001308133.2); c.1208T>G, p.Leu403Arg (NM_001308134.2); short protein forms L377R, L403R.
Identifiers: ClinVar variation 3512885 (VCV003512885.1).